The following is an entry in ClinVar:

ClinVar aggregate classification (germline): Conflicting classifications of pathogenicity. Review status: criteria provided, conflicting classifications (1 of 4 stars). 2 submissions from 2 submitters: Uncertain significance (1); Likely benign (1). Last evaluated 2025-05-30.

Conditions:
Intellectual developmental disorder, autosomal dominant 6, with or without seizures. Also called: Intellectual disability, autosomal dominant 6; GRIN2B-related developmental delay, intellectual disability and autism spectrum disorder. Identifiers: Orphanet 589547, MedGen C3151411, MONDO:0013509, OMIM 613970.
Developmental and epileptic encephalopathy, 27 (DEE27). Also called: Epileptic encephalopathy, early infantile, 27; GRIN2B-Related Neurodevelopmental Disorder. Identifiers: Orphanet 3451, MedGen C4015316, MONDO:0014505, OMIM 616139.

Allele frequency attached by ClinVar (database versions not stated): gnomAD exomes below 0.00001 and 0.00002; ExAC 0.00001; TOPMed 0.00001.
gnomAD v4.1: 22 of 1,614,150 alleles (0.0014%); highest among the groups gnomAD compares: South Asian, 0.0022%; no homozygotes.

Submissions (2):

Labcorp Genetics (formerly Invitae), Labcorp
Classification: Likely benign for Developmental and epileptic encephalopathy, 27; Intellectual developmental disorder, autosomal dominant 6, with or without seizures. Last evaluated: 2025-05-30. Review status: criteria provided, single submitter. Criteria: Invitae Variant Classification Sherloc (09022015). Collection method: clinical testing. Allele origin: germline.

GeneDx
Classification: Uncertain significance. Last evaluated: 2019-06-12. Review status: criteria provided, single submitter. Criteria: GeneDx Variant Classification Process June 2021. Collection method: clinical testing. Allele origin: germline. Affected: yes.
Comment: Reported in a patient with autism in published literature; paternally inherited, however clinical information on the parent was not provided (Guo et al., 2018); In silico analysis, which includes protein predictors and evolutionary conservation, supports that this variant does not alter protein structure/function; This variant is associated with the following publications: (PMID: 30564305)

NM_000834.5(GRIN2B):c.764C>T (p.Thr255Met)

Gene: GRIN2B (glutamate ionotropic receptor NMDA type subunit 2B; minus strand). Cytogenetic location: 12p13.1.
Variant type: single nucleotide variant.
Coding change: c.764C>T on transcript NM_000834.5 (MANE Select); coding-DNA position 764, C replaced by T.
Protein change: p.Thr255Met; replaces threonine 255 with methionine.
Molecular consequence: missense variant.
Genome position (GRCh38, 1-based): chr12:13,753,563, G>A on the plus strand (C>T on the coding strand, the complement: GRIN2B is on the minus strand). VCF-style: chr12-13753563-G-A. GRCh37 (hg19) VCF-style: chr12-13906497-G-A.
Other names: short protein forms T255M.
Identifiers: ClinVar variation 1196772 (VCV001196772.7), dbSNP rs748054907, ClinGen allele CA6461368.